The following is an entry in ClinVar:

NM_001378414.1(HDAC4):c.686T>A (p.Val229Asp)

Gene: HDAC4 (histone deacetylase 4; minus strand). Cytogenetic location: 2q37.3.
Variant type: single nucleotide variant.
Coding change: c.686T>A on transcript NM_001378414.1 (MANE Select); coding-DNA position 686, T replaced by A.
Protein change: p.Val229Asp; replaces valine 229 with aspartic acid.
Molecular consequence: missense variant.
Genome position (GRCh38, 1-based): chr2:239,156,699, A>T on the plus strand (T>A on the coding strand, the complement: HDAC4 is on the minus strand). VCF-style: chr2-239156699-A-T. GRCh37 (hg19) VCF-style: chr2-240078395-A-T.
Other names: c.686T>A, p.Val229Asp (NM_001378415.1, NM_001378416.1, NM_001378417.1 and 1 more transcripts); c.605T>A, p.Val202Asp (NM_001435991.1, NM_001435992.1, NM_001435994.1 and 1 more transcripts); c.542T>A, p.Val181Asp (NM_001435993.1); c.671T>A, p.Val224Asp (NM_001435996.1); short protein forms V181D, V202D, V224D, V229D.
Identifiers: ClinVar variation 4881993 (VCV004881993.2).

ClinVar aggregate classification (germline): Uncertain significance (1 of 4 stars; one submission).

Submission:

Dasa
Classification: Uncertain significance. Last evaluated: 2025-10-30. Review status: criteria provided, single submitter. Criteria: DASA Assertion Criteria. Collection method: clinical testing. Allele origin: germline.
Comment: NM_001378414.1(HDAC4):c.686T>A (p.Val229Asp) is a missense variant that results in the substitution of valine with aspartic acid. This variant is absent from population databases. The currently available literature and clinical evidence are not sufficient to establish a definitive association between this variant and the reported condition. Therefore, this variant is classified as a variant of uncertain significance.